The following is an entry in ClinVar:

NM_152594.3(SPRED1):c.965A>C (p.Lys322Thr)

Gene: SPRED1 (sprouty related EVH1 domain containing 1; plus strand). Cytogenetic location: 15q14.
Variant type: single nucleotide variant.
Coding change: c.965A>C on transcript NM_152594.3 (MANE Select); coding-DNA position 965, A replaced by C.
Protein change: p.Lys322Thr; replaces lysine 322 with threonine.
Molecular consequence: missense variant.
Genome position (GRCh38, 1-based): chr15:38,351,294, A>C. VCF-style: chr15-38351294-A-C. GRCh37 (hg19) VCF-style: chr15-38643495-A-C.
Other names: short protein forms K322T.
Identifiers: ClinVar variation 3800902 (VCV003800902.2).

ClinVar aggregate classification (germline): Uncertain significance. Review status: criteria provided, multiple submitters, no conflicts (2 of 4 stars). 2 submissions from 2 submitters: Uncertain significance (2). Last evaluated 2025-11-18.

Conditions:
Legius syndrome. Identifiers: Orphanet 137605, MedGen C1969623, MONDO:0012669, OMIM 611431. Disease mechanism: loss of function.
Cardiovascular phenotype. Identifiers: MedGen CN230736.

gnomAD v4.1: 7 of 1,614,148 alleles (0.00043%); highest among the groups gnomAD compares: Non-Finnish European, 0.00059%; no homozygotes.

Submissions (2):

Labcorp Genetics (formerly Invitae), Labcorp
Classification: Uncertain significance for Legius syndrome. Last evaluated: 2025-11-18. Review status: criteria provided, single submitter. Criteria: Invitae Variant Classification Sherloc (09022015). Collection method: clinical testing. Allele origin: germline.
Comment: This sequence change replaces lysine, which is basic and polar, with threonine, which is neutral and polar, at codon 322 of the SPRED1 protein (p.Lys322Thr). This variant is present in population databases (no rsID available, gnomAD 0.0009%). This variant has not been reported in the literature in individuals affected with SPRED1-related conditions. ClinVar contains an entry for this variant (Variation ID: 3800902). Invitae Evidence Modeling of protein sequence and biophysical properties (such as structural, functional, and spatial information, amino acid conservation, physicochemical variation, residue mobility, and thermodynamic stability) indicates that this missense variant is not expected to disrupt SPRED1 protein function with a negative predictive value of 80%. In summary, the available evidence is currently insufficient to determine the role of this variant in disease. Therefore, it has been classified as a Variant of Uncertain Significance.

Ambry Genetics
Classification: Uncertain significance for Cardiovascular phenotype. Last evaluated: 2025-01-13. Review status: criteria provided, single submitter. Criteria: Ambry Variant Classification Scheme 2023. Collection method: clinical testing. Allele origin: germline.
Comment: The p.K322T variant (also known as c.965A>C), located in coding exon 7 of the SPRED1 gene, results from an A to C substitution at nucleotide position 965. The lysine at codon 322 is replaced by threonine, an amino acid with similar properties. This amino acid position is conserved. In addition, the in silico prediction for this alteration is inconclusive. Based on the available evidence, the clinical significance of this variant remains unclear.